The following is an entry in ClinVar:

NM_002230.4(JUP):c.2152A>G (p.Met718Val)

Gene: JUP (junction plakoglobin; minus strand). Cytogenetic location: 17q21.2.
Variant type: single nucleotide variant.
Coding change: c.2152A>G on transcript NM_002230.4 (MANE Select); coding-DNA position 2152, A replaced by G.
Protein change: p.Met718Val; replaces methionine 718 with valine.
Molecular consequence: missense variant.
Genome position (GRCh38, 1-based): chr17:41,755,830, T>C on the plus strand (A>G on the coding strand, the complement: JUP is on the minus strand). VCF-style: chr17-41755830-T-C. GRCh37 (hg19) VCF-style: chr17-39912082-T-C.
Other names: c.2152A>G, p.Met718Val (NM_001352773.2, NM_001352774.2, NM_001352775.2 and 3 more transcripts); short protein forms M718V.
Identifiers: ClinVar variation 2414016 (VCV002414016.6), dbSNP rs1913613825, ClinGen allele CA399490538.

ClinVar aggregate classification (germline): Uncertain significance (1 of 4 stars; one submission).

Conditions:
Naxos disease (NXD). Also called: KERATOSIS PALMOPLANTARIS WITH ARRHYTHMOGENIC CARDIOMYOPATHY; MAL DE NAXOS; CARDIOMYOPATHY, ARRHYTHMOGENIC RIGHT VENTRICULAR, WITH SKIN, HAIR, AND NAIL ABNORMALITIES; PALMOPLANTAR KERATODERMA WITH ARRHYTHMOGENIC RIGHT VENTRICULAR CARDIOMYOPATHY AND WOOLLY HAIR; WOOLLY HAIR, PALMOPLANTAR KERATODERMA, AND CARDIAC ABNORMALITIES. Identifiers: Orphanet 34217, MedGen C1832600, MONDO:0011017, OMIM 601214.
Arrhythmogenic right ventricular dysplasia 12. Also called: ARRHYTHMOGENIC RIGHT VENTRICULAR DYSPLASIA, FAMILIAL, 12. Identifiers: MedGen C1969081, MONDO:0012684, OMIM 611528.

Allele frequency attached by ClinVar (database versions not stated): gnomAD exomes below 0.00001.

Submission:

Labcorp Genetics (formerly Invitae), Labcorp
Classification: Uncertain significance for Arrhythmogenic right ventricular dysplasia 12; Naxos disease. Last evaluated: 2022-05-12. Review status: criteria provided, single submitter. Criteria: Invitae Variant Classification Sherloc (09022015). Collection method: clinical testing. Allele origin: germline.
Comment: In summary, the available evidence is currently insufficient to determine the role of this variant in disease. Therefore, it has been classified as a Variant of Uncertain Significance. Algorithms developed to predict the effect of missense changes on protein structure and function (SIFT, PolyPhen-2, Align-GVGD) all suggest that this variant is likely to be tolerated. This variant has not been reported in the literature in individuals affected with JUP-related conditions. This variant is not present in population databases (gnomAD no frequency). This sequence change replaces methionine, which is neutral and non-polar, with valine, which is neutral and non-polar, at codon 718 of the JUP protein (p.Met718Val).